The following is an entry in ClinVar:

NM_001199107.2(TBC1D24):c.181G>T (p.Asp61Tyr)

Gene: TBC1D24 (TBC1 domain family member 24; plus strand). Cytogenetic location: 16p13.3.
Variant type: single nucleotide variant.
Coding change: c.181G>T on transcript NM_001199107.2 (MANE Select); coding-DNA position 181, G replaced by T.
Protein change: p.Asp61Tyr; replaces aspartic acid 61 with tyrosine.
Molecular consequence: missense variant.
Genome position (GRCh38, 1-based): chr16:2,496,329, G>T. VCF-style: chr16-2496329-G-T. GRCh37 (hg19) VCF-style: chr16-2546330-G-T.
Other names: c.181G>T, p.Asp61Tyr (NM_020705.3); short protein forms D61Y.
Identifiers: ClinVar variation 2127035 (VCV002127035.4), dbSNP rs2505512315, ClinGen allele CA394374858.

ClinVar aggregate classification (germline): Uncertain significance (1 of 4 stars; one submission).

Conditions:
Autosomal dominant nonsyndromic hearing loss 65. Also called: Deafness, autosomal dominant 65; TBC1D24-Related Autosomal Dominant Nonsyndromic Hearing Loss (DFNA). Identifiers: Orphanet 90635, MedGen C3892048, MONDO:0014470, OMIM 616044.
Developmental and epileptic encephalopathy, 1 (DEE1). Also called: X-linked infantile spasms; West's syndrome; Tonic spasms with clustering, arrest of psychomotor development and hypsarrhythmia on EEG; X-Linked Infantile Spasm Syndrome; OHTAHARA SYNDROME, X-LINKED; INFANTILE SPASM SYNDROME, X-LINKED 1. Identifiers: MedGen C3463992, MONDO:0010632, OMIM 308350. Disease mechanism: loss of function.

Submission:

Labcorp Genetics (formerly Invitae), Labcorp
Classification: Uncertain significance for Developmental and epileptic encephalopathy, 1; Autosomal dominant nonsyndromic hearing loss 65. Last evaluated: 2022-04-18. Review status: criteria provided, single submitter. Criteria: Invitae Variant Classification Sherloc (09022015). Collection method: clinical testing. Allele origin: germline.
Comment: In summary, the available evidence is currently insufficient to determine the role of this variant in disease. Therefore, it has been classified as a Variant of Uncertain Significance. Advanced modeling of protein sequence and biophysical properties (such as structural, functional, and spatial information, amino acid conservation, physicochemical variation, residue mobility, and thermodynamic stability) performed at Invitae indicates that this missense variant is not expected to disrupt TBC1D24 protein function. This variant has not been reported in the literature in individuals affected with TBC1D24-related conditions. This variant is not present in population databases (gnomAD no frequency). This sequence change replaces aspartic acid, which is acidic and polar, with tyrosine, which is neutral and polar, at codon 61 of the TBC1D24 protein (p.Asp61Tyr).